The following is an entry in ClinVar:

NM_020822.3(KCNT1):c.1700G>T (p.Gly567Val)

Gene: KCNT1 (potassium sodium-activated channel subfamily T member 1; plus strand). Cytogenetic location: 9q34.3.
Variant type: single nucleotide variant.
Coding change: c.1700G>T on transcript NM_020822.3 (MANE Select); coding-DNA position 1700, G replaced by T.
Protein change: p.Gly567Val; replaces glycine 567 with valine.
Molecular consequence: missense variant.
Genome position (GRCh38, 1-based): chr9:135,770,378, G>T. VCF-style: chr9-135770378-G-T. GRCh37 (hg19) VCF-style: chr9-138662224-G-T.
Other names: c.1565G>T, p.Gly522Val (NM_001272003.2); short protein forms G567V, G522V.
Identifiers: ClinVar variation 540573 (VCV000540573.18), dbSNP rs781375160, ClinGen allele CA5327033.

ClinVar aggregate classification (germline): Conflicting classifications of pathogenicity. Review status: criteria provided, conflicting classifications (1 of 4 stars). 3 submissions from 3 submitters: Uncertain significance (2); Likely benign (1). Last evaluated 2025-12-17.

Conditions:
Inborn genetic diseases. Identifiers: MedGen C0950123, MeSH D030342.
Autosomal dominant nocturnal frontal lobe epilepsy 5. Also called: Epilepsy, nocturnal frontal lobe, 5; KCNT1-Related Epilepsy; CILIARY DYSKINESIA, PRIMARY, 28, WITHOUT SITUS INVERSUS; CILIARY DYSKINESIA, PRIMARY, 28, WITH SITUS INVERSUS. Identifiers: Orphanet 98784, MedGen C3554306, MONDO:0014002, OMIM 615005.
Developmental and epileptic encephalopathy, 14 (DEE14). Also called: Early infantile epileptic encephalopathy 14. Identifiers: Orphanet 293181, MedGen C3554195, MONDO:0013989, OMIM 614959.

Allele frequency attached by ClinVar (database versions not stated): gnomAD exomes 0.00001 and below 0.00001; ExAC 0.00001.
gnomAD v4.1: 7 of 1,613,264 alleles (0.00043%); highest among the groups gnomAD compares: South Asian, 0.0066%; no homozygotes.

Submissions (3):

Ambry Genetics
Classification: Uncertain significance for Inborn genetic diseases. Last evaluated: 2025-12-17. Review status: criteria provided, single submitter. Criteria: Ambry Variant Classification Scheme 2023. Collection method: clinical testing. Allele origin: germline.

Labcorp Genetics (formerly Invitae), Labcorp
Classification: Likely benign for Autosomal dominant nocturnal frontal lobe epilepsy 5; Developmental and epileptic encephalopathy, 14. Last evaluated: 2025-08-22. Review status: criteria provided, single submitter. Criteria: Invitae Variant Classification Sherloc (09022015). Collection method: clinical testing. Allele origin: germline.

GeneDx
Classification: Uncertain significance. Last evaluated: 2020-05-05. Review status: criteria provided, single submitter. Criteria: GeneDx Variant Classification Process June 2021. Collection method: clinical testing. Allele origin: germline. Affected: yes.
Comment: In silico analysis supports that this missense variant has a deleterious effect on protein structure/function; Has not been previously published as pathogenic or benign to our knowledge